The following is an entry in ClinVar:

ClinVar aggregate classification (germline): Uncertain significance (1 of 4 stars; one submission).

Conditions:
Propionic acidemia (PROP). Also called: GLYCINEMIA, KETOTIC; HYPERGLYCINEMIA WITH KETOACIDOSIS AND LEUKOPENIA; KETOTIC HYPERGLYCINEMIA. Identifiers: Orphanet 35, MedGen C0268579, MONDO:0011628, OMIM 606054, HP:0003571.

gnomAD v4.1: 3 of 1,614,190 alleles (0.00019%); highest among the groups gnomAD compares: Non-Finnish European, 0.00017%; no homozygotes.

Submission:

Labcorp Genetics (formerly Invitae), Labcorp
Classification: Uncertain significance for Propionic acidemia. Last evaluated: 2021-08-28. Review status: criteria provided, single submitter. Criteria: Invitae Variant Classification Sherloc (09022015). Collection method: clinical testing. Allele origin: germline.
Comment: This sequence change replaces aspartic acid with alanine at codon 98 of the PCCB protein (p.Asp98Ala). The aspartic acid residue is moderately conserved and there is a moderate physicochemical difference between aspartic acid and alanine. This variant is not present in population databases (ExAC no frequency). This variant has not been reported in the literature in individuals affected with PCCB-related conditions. Advanced modeling of protein sequence and biophysical properties (such as structural, functional, and spatial information, amino acid conservation, physicochemical variation, residue mobility, and thermodynamic stability) performed at Invitae indicates that this missense variant is not expected to disrupt PCCB protein function. In summary, the available evidence is currently insufficient to determine the role of this variant in disease. Therefore, it has been classified as a Variant of Uncertain Significance.

NM_000532.5(PCCB):c.293A>C (p.Asp98Ala)

Gene: PCCB (propionyl-CoA carboxylase subunit beta; plus strand). Cytogenetic location: 3q22.3.
Variant type: single nucleotide variant.
Coding change: c.293A>C on transcript NM_000532.5 (MANE Select); coding-DNA position 293, A replaced by C.
Protein change: p.Asp98Ala; replaces aspartic acid 98 with alanine.
Molecular consequence: missense variant.
Genome position (GRCh38, 1-based): chr3:136,255,965, A>C. VCF-style: chr3-136255965-A-C. GRCh37 (hg19) VCF-style: chr3-135974807-A-C.
Other names: c.293A>C, p.Asp98Ala (NM_001178014.2); short protein forms D98A.
Identifiers: ClinVar variation 1465637 (VCV001465637.5), dbSNP rs915881293, ClinGen allele CA354738598.